The following is an entry in ClinVar:

ClinVar aggregate classification (germline): Pathogenic (1 of 4 stars; one submission).

gnomAD v4.1: 1 of 1,603,096 alleles (0.000062%); highest among the groups gnomAD compares: Non-Finnish European, 0.000085%; no homozygotes.

Submission:

Labcorp Genetics (formerly Invitae), Labcorp
Classification: Pathogenic. Last evaluated: 2024-11-07. Review status: criteria provided, single submitter. Criteria: Invitae Variant Classification Sherloc (09022015). Collection method: clinical testing. Allele origin: germline.
Comment: This sequence change creates a premature translational stop signal (p.Ser386*) in the TUBGCP6 gene. It is expected to result in an absent or disrupted protein product. Loss-of-function variants in TUBGCP6 are known to be pathogenic (PMID: 25344692). This variant is present in population databases (no rsID available, gnomAD 0.001%). This variant has not been reported in the literature in individuals affected with TUBGCP6-related conditions. For these reasons, this variant has been classified as Pathogenic.

Literature cited by the submitters: PubMed 25344692.

NM_020461.4(TUBGCP6):c.1157C>G (p.Ser386Ter)

Gene: TUBGCP6 (tubulin gamma complex component 6; minus strand). Cytogenetic location: 22q13.33.
Variant type: single nucleotide variant.
Coding change: c.1157C>G on transcript NM_020461.4 (MANE Select); coding-DNA position 1157, C replaced by G.
Protein change: p.Ser386Ter; replaces serine 386 with a stop codon.
Molecular consequence: nonsense.
Genome position (GRCh38, 1-based): chr22:50,229,537, G>C on the plus strand (C>G on the coding strand, the complement: TUBGCP6 is on the minus strand). VCF-style: chr22-50229537-G-C. GRCh37 (hg19) VCF-style: chr22-50667966-G-C.
Other names: short protein forms S386*.
Identifiers: ClinVar variation 3724329 (VCV003724329.2).